The following is an entry in ClinVar:

NM_001267550.2(TTN):c.71881G>A (p.Val23961Ile)

Genes: TTN-AS1 (TTN antisense RNA 1; plus strand), TTN (titin; minus strand). Cytogenetic location: 2q31.2.
Variant type: single nucleotide variant.
Coding change: c.71881G>A on transcript NM_001267550.2 (MANE Select); coding-DNA position 71881, G replaced by A.
Protein change: p.Val23961Ile; replaces valine 23961 with isoleucine.
Molecular consequence: missense variant.
Genome position (GRCh38, 1-based): chr2:178,574,251, C>T on the plus strand (G>A on the coding strand, the complement: TTN is on the minus strand). VCF-style: chr2-178574251-C-T. GRCh37 (hg19) VCF-style: chr2-179438978-C-T.
Other names: p.V22320I:GTT>ATT; c.66958G>A, p.Val22320Ile (NM_001256850.1); c.64177G>A, p.Val21393Ile (NM_133378.4); c.44686G>A, p.Val14896Ile (NM_003319.4); c.45061G>A, p.Val15021Ile (NM_133432.3); c.45262G>A, p.Val15088Ile (NM_133437.4); short protein forms V23961I, V21393I, V22320I, V15088I, V15021I, V14896I.
Identifiers: ClinVar variation 47303 (VCV000047303.57), dbSNP rs397517690, ClinGen allele CA140622.

ClinVar aggregate classification (germline): Conflicting classifications of pathogenicity. Review status: criteria provided, conflicting classifications (1 of 4 stars). 7 submissions from 7 submitters: Uncertain significance (2); Likely benign (5). Last evaluated 2025-12-22.

Conditions:
Cardiovascular phenotype. Identifiers: MedGen CN230736.
Dilated cardiomyopathy 1G (CMD1G). Identifiers: Orphanet 154, MedGen C1858763, MONDO:0011400, OMIM 604145.
Autosomal recessive limb-girdle muscular dystrophy type 2J (LGMDR10). Also called: Limb-girdle muscular dystrophy, type 2J; MUSCULAR DYSTROPHY, LIMB-GIRDLE, AUTOSOMAL RECESSIVE 10. Identifiers: Orphanet 140922, MedGen C1837342, MONDO:0012127, OMIM 608807.
Primary dilated cardiomyopathy (DCM). Also called: Dilated Cardiomyopathy. Identifiers: Orphanet 217604, MedGen C0007193, MeSH D002311, MONDO:0005021, HP:0001644. Inheritance: Various modes of inheritance.

Allele frequency attached by ClinVar (database versions not stated): gnomAD 0.00001 and 0.00007; TOPMed 0.00001; gnomAD exomes 0.00007; 1000 Genomes Project 30x 0.00047; 1000 Genomes Project 0.00060.
gnomAD v4.1: 112 of 1,612,890 alleles (0.0069%); highest among the groups gnomAD compares: South Asian, 0.099%; 1 homozygote.

Submissions (7):

Labcorp Genetics (formerly Invitae), Labcorp
Classification: Likely benign for Dilated cardiomyopathy 1G; Autosomal recessive limb-girdle muscular dystrophy type 2J. Last evaluated: 2025-12-22. Review status: criteria provided, single submitter. Criteria: Invitae Variant Classification Sherloc (09022015). Collection method: clinical testing. Allele origin: germline.

CeGaT Center for Human Genetics Tuebingen
Classification: Likely benign. Last evaluated: 2022-07-01. Review status: criteria provided, single submitter. Criteria: CeGaT Center For Human Genetics Tuebingen Variant Classification Criteria Version 2. Collection method: clinical testing. Allele origin: germline. Affected: yes. Observed: 1 variant allele.
Comment: TTN: BP4

GeneDx
Classification: Likely benign. Last evaluated: 2020-10-27. Review status: criteria provided, single submitter. Criteria: GeneDx Variant Classification Process June 2021. Collection method: clinical testing. Allele origin: germline. Affected: yes.

Ambry Genetics
Classification: Likely benign for Cardiovascular phenotype. Last evaluated: 2019-12-27. Review status: criteria provided, single submitter. Criteria: Ambry Variant Classification Scheme 2023. Collection method: clinical testing. Allele origin: germline.

Eurofins Ntd Llc (ga)
Classification: Uncertain significance. Last evaluated: 2015-10-07. Review status: criteria provided, single submitter. Criteria: EGL Classification Definitions 2015. Collection method: clinical testing. Allele origin: germline. Observed: 1 variant allele, 1 heterozygote.

Laboratory for Molecular Medicine, Mass General Brigham Personalized Medicine
Classification: Uncertain significance. Last evaluated: 2012-11-20. Review status: criteria provided, single submitter. Criteria: LMM Criteria. Collection method: clinical testing. Allele origin: germline. Observed: 1 variant allele.
Comment: The Val21393Ile variant in TTN has not been reported in the literature nor previ ously identified by our laboratory. This variant has not been identified in larg e and broad European American and African American populations by the NHLBI Exom e Sequencing Project, though it remains poss ible that this variant is common in other populations. Valine (Val) is not conse rved at position 21393, as wallaby has an isoleucine (Ile; this variant) at this position. Additional computational analyses (biochemical amino acid properties, AlignGVGD, PolyPhen2, and SIFT) do not provide strong support for or against an impact to the protein. Additional information is needed to fully assess the cli nical significance of this variant.

Genetics and Genomics Program, Sidra Medicine
Classification: Likely benign for Primary dilated cardiomyopathy. Review status: criteria provided, single submitter. Criteria: ACMG Guidelines, 2015. Collection method: research. Allele origin: unknown. Affected: yes. Observed: 1 variant allele.